The following is an entry in ClinVar:

ClinVar aggregate classification (germline): Uncertain significance. Review status: criteria provided, multiple submitters, no conflicts (2 of 4 stars). 2 submissions from 2 submitters: Uncertain significance (2). Last evaluated 2025-06-09.

Conditions:
Cardiomyopathy (CMYO). Also called: Cardiomyopathies. Identifiers: Orphanet 167848, MedGen C0878544, MONDO:0004994, HP:0001638. Inheritance: Various modes of inheritance.

gnomAD v4.1: 4 of 1,614,136 alleles (0.00025%); highest among the groups gnomAD compares: Non-Finnish European, 0.00034%; no homozygotes.

Submissions (2):

Color Diagnostics, LLC DBA Color Health
Classification: Uncertain significance for Cardiomyopathy. Last evaluated: 2025-06-09. Review status: criteria provided, single submitter. Criteria: ACMG Guidelines, 2015. Collection method: clinical testing. Allele origin: germline.
Comment: This missense variant replaces threonine with isoleucine at codon 570 of the DSP protein. Computational prediction suggests that this variant may not impact protein structure and function. To our knowledge, functional studies have not been reported for this variant. This variant has not been reported in individuals affected with DSP-related disorders in the literature. This variant has been identified in 2/251290 chromosomes in the general population by the Genome Aggregation Database (gnomAD). The available evidence is insufficient to determine the role of this variant in disease conclusively. Therefore, this variant is classified as a Variant of Uncertain Significance.

Blueprint Genetics
Classification: Uncertain significance. Last evaluated: 2020-07-16. Review status: criteria provided, single submitter. Criteria: ACMG Guidelines, 2015. Collection method: clinical testing. Allele origin: germline.

NM_004415.4(DSP):c.1709C>T (p.Thr570Ile)

Gene: DSP (desmoplakin; plus strand). Cytogenetic location: 6p24.3.
Variant type: single nucleotide variant.
Coding change: c.1709C>T on transcript NM_004415.4 (MANE Select); coding-DNA position 1709, C replaced by T.
Protein change: p.Thr570Ile; replaces threonine 570 with isoleucine.
Molecular consequence: missense variant.
Genome position (GRCh38, 1-based): chr6:7,571,390, C>T. VCF-style: chr6-7571390-C-T. GRCh37 (hg19) VCF-style: chr6-7571623-C-T.
Other names: c.1709C>T, p.Thr570Ile (NM_001008844.3, NM_001319034.2); short protein forms T570I.
Identifiers: ClinVar variation 4757030 (VCV004757030.2).